The following is an entry in ClinVar:

ClinVar aggregate classification (germline): Uncertain significance (1 of 4 stars; one submission).

Conditions:
Baller-Gerold syndrome (BGS). Also called: CRANIOSYNOSTOSIS WITH RADIAL DEFECTS. Identifiers: Orphanet 1225, MedGen C0265308, MONDO:0009039, OMIM 218600.

Allele frequency attached by ClinVar (database versions not stated): gnomAD exomes below 0.00001.
gnomAD v4.1: 1 of 1,573,004 alleles (0.000064%); highest among the groups gnomAD compares: Non-Finnish European, 0.000086%; no homozygotes.

Submission:

Labcorp Genetics (formerly Invitae), Labcorp
Classification: Uncertain significance for Baller-Gerold syndrome. Last evaluated: 2023-01-17. Review status: criteria provided, single submitter. Criteria: Invitae Variant Classification Sherloc (09022015). Collection method: clinical testing. Allele origin: germline.
Comment: This variant is not present in population databases (gnomAD no frequency). This sequence change replaces alanine, which is neutral and non-polar, with valine, which is neutral and non-polar, at codon 882 of the RECQL4 protein (p.Ala882Val). This variant has not been reported in the literature in individuals affected with RECQL4-related conditions. In summary, the available evidence is currently insufficient to determine the role of this variant in disease. Therefore, it has been classified as a Variant of Uncertain Significance. Experimental studies and prediction algorithms are not available or were not evaluated, and the functional significance of this variant is currently unknown.

NM_004260.4(RECQL4):c.2645C>T (p.Ala882Val)

Gene: RECQL4 (RecQ like helicase 4; minus strand). Cytogenetic location: 8q24.3.
Variant type: single nucleotide variant.
Coding change: c.2645C>T on transcript NM_004260.4 (MANE Select); coding-DNA position 2645, C replaced by T.
Protein change: p.Ala882Val; replaces alanine 882 with valine.
Molecular consequence: missense variant.
Genome position (GRCh38, 1-based): chr8:144,512,957, G>A on the plus strand (C>T on the coding strand, the complement: RECQL4 is on the minus strand). VCF-style: chr8-144512957-G-A. GRCh37 (hg19) VCF-style: chr8-145738340-G-A.
Other names: c.1574C>T, p.Ala525Val (NM_001413040.1, NM_001413034.1, NM_001413035.1 and 5 more transcripts); c.1508C>T, p.Ala503Val (NM_001413041.1, NM_001413030.1, NM_001413032.1 and 1 more transcripts); c.1544C>T, p.Ala515Val (NM_001413042.1); c.1178C>T, p.Ala393Val (NM_001413043.1); c.2294C>T, p.Ala765Val (NM_001413029.1); c.1376C>T, p.Ala459Val (NM_001413031.1, NM_001413038.1); c.2513C>T, p.Ala838Val (NM_001413033.1); c.2645C>T, p.Ala882Val (NM_001413036.1, NM_001413019.1); and 6 more; short protein forms A459V, A503V, A765V, A839V, A850V, A481V, A525V, A838V.
Identifiers: ClinVar variation 1981753 (VCV001981753.4), dbSNP rs2537999136, ClinGen allele CA372676721.